The following is an entry in ClinVar:

ClinVar aggregate classification (germline): Conflicting classifications of pathogenicity. Review status: criteria provided, conflicting classifications (1 of 4 stars). 2 submissions from 2 submitters: Uncertain significance (1); Likely benign (1). Last evaluated 2025-09-01.

Conditions:
Cutis laxa, X-linked (OHS). Also called: EDS IX; Occipital horn syndrome. Identifiers: Orphanet 198, MedGen C0268353, MONDO:0010572, OMIM 304150.
Menkes kinky-hair syndrome (MNK). Also called: Copper transport disease; Menkes Disease; Classic Menkes Disease. Identifiers: Orphanet 565, MedGen C0022716, MONDO:0010651, OMIM 309400.
X-linked distal spinal muscular atrophy type 3. Also called: ATP7A-Related Distal Motor Neuropathy; NEURONOPATHY, DISTAL HEREDITARY MOTOR, X-LINKED; NEUROPATHY, DISTAL HEREDITARY MOTOR, X-LINKED; SPINAL MUSCULAR ATROPHY, DISTAL, X-LINKED RECESSIVE. Identifiers: Orphanet 139557, MedGen C1845359, MONDO:0010338, OMIM 300489.

Allele frequency attached by ClinVar (database versions not stated): gnomAD exomes below 0.00001 and 0.00001; ExAC 0.00001; gnomAD 0.00001.
gnomAD v4.1: 2 of 1,206,950 alleles (0.00017%); highest among the groups gnomAD compares: Non-Finnish European, 0.00022%; no homozygotes.

Submissions (2):

Labcorp Genetics (formerly Invitae), Labcorp
Classification: Likely benign for X-linked distal spinal muscular atrophy type 3; Cutis laxa, X-linked; Menkes kinky-hair syndrome. Last evaluated: 2025-09-01. Review status: criteria provided, single submitter. Criteria: Invitae Variant Classification Sherloc (09022015). Collection method: clinical testing. Allele origin: germline.

GeneDx
Classification: Uncertain significance. Last evaluated: 2017-01-11. Review status: criteria provided, single submitter. Criteria: GeneDx Variant Classification (06012015). Collection method: clinical testing. Allele origin: germline. Affected: yes.
Comment: The E544Q variant of uncertain significance in the ATP7A gene has not been published as a pathogenic variant, nor has it been reported as a benign variant to our knowledge. E544Q was not observed in approximately 6,500 individuals of European and African American ancestry in the NHLBI Exome Sequencing Project, and was not observed with any significant frequency in the Exome Aggregation Consortium, indicating it is not a common benign variant in these populations. The E544Q variant is a semi-conservative amino acid substitution, which may impact secondary protein structure as these residues differ in some properties. And while this substitution occurs at a position that is conserved in mammals, Q544 is the native residue in at least two species. In silico analysis is inconsistent in its predictions as to whether or not the variant is damaging to the protein structure/function. Finally, no pathogenic missense variants in nearby residues have been reported in the Human Gene Mutation Database (Stenson et al., 2014), indicating that this region of the gene is not known to harbor disease-causing variants.

NM_000052.7(ATP7A):c.1630G>C (p.Glu544Gln)

Gene: ATP7A (ATPase copper transporting alpha; plus strand). Cytogenetic location: Xq21.1.
Variant type: single nucleotide variant.
Coding change: c.1630G>C on transcript NM_000052.7 (MANE Select); coding-DNA position 1630, G replaced by C.
Protein change: p.Glu544Gln; replaces glutamic acid 544 with glutamine.
Molecular consequence: missense variant.
Genome position (GRCh38, 1-based): chrX:78,003,159, G>C. VCF-style: chrX-78003159-G-C. GRCh37 (hg19) VCF-style: chrX-77258656-G-C.
Other names: c.1630G>C, p.Glu544Gln (NM_001282224.2); short protein forms E544Q.
Identifiers: ClinVar variation 392682 (VCV000392682.11), dbSNP rs782491733, ClinGen allele CA10459074.